The following is an entry in ClinVar:

ClinVar aggregate classification (germline): Pathogenic. Review status: criteria provided, multiple submitters, no conflicts (2 of 4 stars). 2 submissions from 2 submitters: Pathogenic (2). Last evaluated 2025-04-16.

Conditions:
X-linked Alport syndrome (ATS1). Also called: NEPHROPATHY AND DEAFNESS, X-LINKED; COL4A5-Related Nephropathy. Identifiers: Orphanet 63, Orphanet 88917, MedGen C4746986, MONDO:0010520, OMIM 301050.

Submissions (2):

Bioscientia Institut fuer Medizinische Diagnostik GmbH, Sonic Healthcare
Classification: Pathogenic for X-linked Alport syndrome. Last evaluated: 2025-04-16. Review status: criteria provided, single submitter. Criteria: ACMG Guidelines, 2015. Collection method: clinical testing. Allele origin: germline. Affected: yes.

Labcorp Genetics (formerly Invitae), Labcorp
Classification: Pathogenic. Last evaluated: 2025-01-21. Review status: criteria provided, single submitter. Criteria: Invitae Variant Classification Sherloc (09022015). Collection method: clinical testing. Allele origin: germline.
Comment: This sequence change replaces glycine, which is neutral and non-polar, with arginine, which is basic and polar, at codon 784 of the COL4A5 protein (p.Gly784Arg). This variant is not present in population databases (gnomAD no frequency). This missense change has been observed in individual(s) with clinical features of Alport syndrome (PMID: 32647767). Invitae Evidence Modeling of protein sequence and biophysical properties (such as structural, functional, and spatial information, amino acid conservation, physicochemical variation, residue mobility, and thermodynamic stability) indicates that this missense variant is expected to disrupt COL4A5 protein function with a positive predictive value of 95%. This variant disrupts the triple helix domain of COL4A5. Glycine residues within the Gly-Xaa-Yaa repeats of the triple helix domain are required for the structure and stability of fibrillar collagens (PMID: 7695699, 8218237, 19344236). In COL4A5, missense variants at these glycine residues are significantly enriched in individuals with disease (PMID: 23720012, 27627812) compared to the general population (ExAC). This variant disrupts the p.Gly784 amino acid residue in COL4A5. Other variant(s) that disrupt this residue have been determined to be pathogenic (PMID: 30968591). This suggests that this residue is clinically significant, and that variants that disrupt this residue are likely to be disease-causing. For these reasons, this variant has been classified as Pathogenic.

Literature cited by the submitters: PubMed 32647767 (cited by Labcorp Genetics (formerly Invitae), Labcorp); PubMed 7695699 (cited by Labcorp Genetics (formerly Invitae), Labcorp); PubMed 8218237 (cited by Labcorp Genetics (formerly Invitae), Labcorp); PubMed 19344236 (cited by Labcorp Genetics (formerly Invitae), Labcorp); PubMed 23720012 (cited by Labcorp Genetics (formerly Invitae), Labcorp); PubMed 27627812 (cited by Labcorp Genetics (formerly Invitae), Labcorp); PubMed 30968591 (cited by Labcorp Genetics (formerly Invitae), Labcorp).

NM_033380.3(COL4A5):c.2350G>C (p.Gly784Arg)

Gene: COL4A5 (collagen type IV alpha 5 chain; plus strand). Cytogenetic location: Xq22.3.
Variant type: single nucleotide variant.
Coding change: c.2350G>C on transcript NM_033380.3 (MANE Select); coding-DNA position 2350, G replaced by C.
Protein change: p.Gly784Arg; replaces glycine 784 with arginine.
Molecular consequence: missense variant.
Genome position (GRCh38, 1-based): chrX:108,606,847, G>C. VCF-style: chrX-108606847-G-C. GRCh37 (hg19) VCF-style: chrX-107850077-G-C.
Other names: c.2350G>C, p.Gly784Arg (NM_000495.5); short protein forms G784R.
Identifiers: ClinVar variation 3677204 (VCV003677204.3).